The following is an entry in ClinVar:

NM_001276345.2(TNNT2):c.481del (p.Arg161fs)

Gene: TNNT2 (troponin T2, cardiac type; minus strand). Cytogenetic location: 1q32.1.
Variant type: Deletion.
Coding change: c.481del on transcript NM_001276345.2 (MANE Select); coding-DNA position 481, one base deleted (C; older notation c.481delC).
Protein change: p.Arg161fs; shifts the reading frame from arginine 161.
Molecular consequence: frameshift variant.
Genome position (GRCh38, 1-based): chr1:201,364,306, G deleted on the plus strand (C on the coding strand, the reverse complement: TNNT2 is on the minus strand); the first of 2 consecutive G bases (chr1:201,364,306-201,364,307); deleting either gives the same sequence. VCF-style (leftmost placement, unchanged base first): chr1-201364305-CG-C. GRCh37 (hg19) VCF-style: chr1-201333433-CG-C.
Other names: c.481del, p.Arg161fs (NM_000364.4, NM_001406723.1); c.451del, p.Arg151fs (NM_001001430.3, NM_001001431.3, NM_001276347.2 and 3 more transcripts); c.436del, p.Arg146fs (NM_001001432.3, NM_001406728.1); c.361del, p.Arg121fs (NM_001276346.2); c.448del, p.Arg150fs (NM_001406725.1); short protein forms R121fs, R146fs, R150fs, R151fs, R161fs.
Identifiers: ClinVar variation 4280100 (VCV004280100.1).

ClinVar aggregate classification (germline): Uncertain significance (1 of 4 stars; one submission).

Conditions:
Autosomal recessive congenital ichthyosis 1 (LI1). Also called: ICHTHYOSIS, CONGENITAL, AUTOSOMAL RECESSIVE 1, WITH BATHING SUIT DISTRIBUTION; ICHTHYOSIS, CONGENITAL, AUTOSOMAL RECESSIVE 1, WITH OR WITHOUT BATHING SUIT DISTRIBUTION; COLLODION FETUS; DESQUAMATION OF NEWBORN; ICHTHYOSIS CONGENITA; ICHTHYOSIS CONGENITA II. Identifiers: MedGen C4551630, MONDO:0009441, OMIM 242300.

Submission:

Johns Hopkins Genomics, Johns Hopkins University
Classification: Uncertain significance for Autosomal recessive congenital ichthyosis 1. Last evaluated: 2025-08-24. Review status: criteria provided, single submitter. Criteria: ACMG Guidelines, 2015. Collection method: clinical testing. Allele origin: germline.
Comment: This TNNT2 variant (rs730881115) is rare (<0.1%) in a large population dataset (gnomAD v4.1.0: 135/1613186 total alleles; 0.008%; no homozygotes) and has been reported in ClinVar (Variation ID: 181635). This frameshift variant (also known as c.421del; p.Arg151fs) has been reported in published literature in individuals with dilated cardiomyopathy and hypertrophic cardiomyopathy and in a cohort of cases with sudden unexplained death in childhood. This frameshift variant in exon 11 of 17 results in a premature termination codon (PTC) likely leading to nonsense-mediated decay and lack of protein production. Due to insufficient evidence that this variant is deleterious, we consider the clinical significance of c.451del to be uncertain at this time.

Literature cited by the submitters: PubMed 21846512; PubMed 26468400; PubMed 28973083; PubMed 29661763; PubMed 31983221; PubMed 34066613; PubMed 37180798; PubMed 37589201; PubMed 7898523.